The following is an entry in ClinVar:

NM_032043.3(BRIP1):c.94-18T>G

Gene: BRIP1 (BRCA1 interacting DNA helicase 1; minus strand). Cytogenetic location: 17q23.2.
Variant type: single nucleotide variant.
Coding change: c.94-18T>G on transcript NM_032043.3 (MANE Select); 18 bases into the intron before coding-DNA position 94, T replaced by G.
Molecular consequence: intron variant.
Genome position (GRCh38, 1-based): chr17:61,859,925, A>C on the plus strand (T>G on the coding strand, the complement: BRIP1 is on the minus strand). VCF-style: chr17-61859925-A-C. GRCh37 (hg19) VCF-style: chr17-59937286-A-C.
Identifiers: ClinVar variation 262008 (VCV000262008.30), dbSNP rs2138005, ClinGen allele CA8691000.
Genomic context (GRCh38, chr17:61,859,925, plus strand): 5'-TCTCCAACAAACAATGTTGCTTGCTGTTTAATCCTCTGAGAATCTATGAACACAGAAACC[A>C]ATGAAAATAATAAACATATTAACTTTATAAAGGTCTCTCTCCATCTGAAGTTTAAATAGA-3'

ClinVar aggregate classification (germline): Benign/Likely benign. Review status: criteria provided, multiple submitters, no conflicts (2 of 4 stars). 15 submissions from 15 submitters: Benign (11); Likely benign (1). 3 of the submissions do not count toward it. Last evaluated 2026-02-04.

Conditions:
Hereditary cancer-predisposing syndrome. Also called: Hereditary neoplastic syndrome; Hereditary Cancer Syndrome; Neoplastic Syndromes, Hereditary; Tumor predisposition. Identifiers: Orphanet 140162, MedGen C0027672, MeSH D009386, MONDO:0015356.
Breast and/or ovarian cancer. Identifiers: MedGen CN221562.
Fanconi anemia complementation group J. Also called: BRIP1-Related Fanconi Anemia. Identifiers: Orphanet 84, MedGen C1836860, MONDO:0012187, OMIM 609054.
Familial cancer of breast. Also called: hereditary breast carcinoma; BREAST CANCER, FAMILIAL; Hereditary breast cancer. Identifiers: Orphanet 227535, MedGen C0346153, MONDO:0016419, OMIM 114480. Disease mechanism: loss of function.
Hereditary breast ovarian cancer syndrome. Also called: BRCA1- and BRCA2-Associated Hereditary Breast and Ovarian Cancer; Hereditary breast and ovarian cancer syndrome; Hereditary breast and ovarian cancer syndrome (HBOC); Hereditary breast and/or ovarian cancer syndrome; Hereditary breast and ovarian cancer; Breast and ovarian cancer. Identifiers: Orphanet 145, MedGen C0677776, MeSH D061325, MONDO:0003582. Disease mechanism: loss of function.

Allele frequency attached by ClinVar (database versions not stated): gnomAD exomes 0.00300 and 0.00786; ExAC 0.00956; ESP Exome Variant Server 0.02514; gnomAD 0.02867 and 0.03086; TOPMed 0.03248; 1000 Genomes Project 0.03335; 1000 Genomes Project 30x 0.03545.
gnomAD v4.1: 8,587 of 1,493,736 alleles (0.57%); highest among the groups gnomAD compares: African/African-American, 10%; 396 homozygotes.

Submissions (20):

Labcorp Genetics (formerly Invitae), Labcorp
Classification: Benign for Familial cancer of breast; Fanconi anemia complementation group J. Last evaluated: 2026-02-04. Review status: criteria provided, single submitter. Criteria: Invitae Variant Classification Sherloc (09022015). Collection method: clinical testing. Allele origin: germline.

Center for Genomic Medicine, Rigshospitalet, Copenhagen University Hospital
Classification: Benign. Last evaluated: 2025-03-04. Review status: criteria provided, single submitter. Criteria: ACMG Guidelines, 2015. Collection method: clinical testing. Allele origin: germline.

Blueprint Genetics
Classification: Likely benign. Last evaluated: 2024-11-25. Review status: criteria provided, single submitter. Criteria: ACMG Guidelines, 2015. Collection method: clinical testing. Allele origin: germline.

ARUP Laboratories, Molecular Genetics and Genomics, ARUP Laboratories
Classification: Benign. Last evaluated: 2024-10-10. Review status: criteria provided, single submitter. Criteria: ARUP Molecular Germline Variant Investigation Process 2024. Collection method: clinical testing. Allele origin: germline.

Myriad Genetics, Inc.
Classification: Benign for Familial cancer of breast. Last evaluated: 2024-08-09. Review status: criteria provided, single submitter. Criteria: Myriad Autosomal Dominant, Autosomal Recessive and X-Linked Classification Criteria (2023). Collection method: clinical testing. Allele origin: unknown.
Comment: This variant is considered benign. This variant is intronic and is not expected to impact mRNA splicing. This variant has been observed at a population frequency that is significantly greater than expected given the associated disease prevalence and penetrance.

KCCC/NGS Laboratory, Kuwait Cancer Control Center
Classification: Benign for Familial cancer of breast. Last evaluated: 2023-07-07. Review status: criteria provided, single submitter. Criteria: ACMG Guidelines, 2015. Collection method: clinical testing. Allele origin: germline. Affected: yes.

National Health Laboratory Service, Universitas Academic Hospital and University of the Free State
Classification: Benign for Hereditary breast ovarian cancer syndrome. Last evaluated: 2022-04-19. Review status: criteria provided, single submitter. Criteria: ACMG Guidelines, 2015. Collection method: clinical testing. Allele origin: germline. Affected: yes. Observed: 63 variant alleles.

CHEO Genetics Diagnostic Laboratory, Children's Hospital of Eastern Ontario
Classification: Benign for Breast and/or ovarian cancer. Last evaluated: 2021-05-26. Review status: criteria provided, single submitter. Criteria: ACMG Guidelines, 2015. Collection method: clinical testing. Allele origin: germline.

Color Diagnostics, LLC DBA Color Health
Classification: Benign for Hereditary cancer-predisposing syndrome. Last evaluated: 2015-04-01. Review status: criteria provided, single submitter. Criteria: ACMG Guidelines, 2015. Collection method: clinical testing. Allele origin: germline.

GeneDx
Classification: Benign. Last evaluated: 2015-03-03. Review status: criteria provided, single submitter. Criteria: GeneDx Variant Classification Process June 2021. Collection method: clinical testing. Allele origin: germline. Affected: yes.

Breakthrough Genomics
Classification: Benign. Review status: criteria provided, single submitter. Criteria: ACMG Guidelines, 2015. Collection method: not provided. Allele origin: germline. Inheritance: Autosomal dominant inheritance. Affected: yes.

PreventionGenetics, part of Exact Sciences
Classification: Benign. Review status: criteria provided, single submitter. Criteria: ACMG Guidelines, 2015. Collection method: clinical testing. Allele origin: germline.

Clinical Genetics Laboratory, Department of Pathology, Netherlands Cancer Institute
Classification: Benign. Review status: no assertion criteria provided. Collection method: clinical testing. Allele origin: germline. Affected: yes. Study: VKGL Data-share Consensus. Not counted in ClinVar's aggregate classification.

Dr. Peter K. Rogan Lab, Western University
No classification provided (evidence only). Condition: Acute myeloid leukemia. Review status: no classification provided. Collection method: in vitro. Allele origin: not applicable. Functional consequence: retained intron. Not counted in ClinVar's aggregate classification.

Dr. Peter K. Rogan Lab, Western University
No classification provided (evidence only). Condition: Cervical cancer. Review status: no classification provided. Collection method: in vitro. Allele origin: not applicable. Functional consequence: retained intron. Not counted in ClinVar's aggregate classification.

Dr. Peter K. Rogan Lab, Western University
No classification provided (evidence only). Condition: Cervical cancer. Review status: no classification provided. Collection method: in vitro. Allele origin: not applicable. Functional consequence: retained intron. Not counted in ClinVar's aggregate classification.

Dr. Peter K. Rogan Lab, Western University
No classification provided (evidence only). Condition: Sarcoma. Review status: no classification provided. Collection method: in vitro. Allele origin: not applicable. Functional consequence: retained intron. Not counted in ClinVar's aggregate classification.

Dr. Peter K. Rogan Lab, Western University
No classification provided (evidence only). Condition: Malignant tumor of esophagus. Review status: no classification provided. Collection method: in vitro. Allele origin: not applicable. Functional consequence: skipped exon. Not counted in ClinVar's aggregate classification.

Genome Diagnostics Laboratory, Amsterdam University Medical Center
Classification: Benign. Review status: no assertion criteria provided. Collection method: clinical testing. Allele origin: germline. Affected: yes. Study: VKGL Data-share Consensus. Not counted in ClinVar's aggregate classification.

Joint Genome Diagnostic Labs from Nijmegen and Maastricht, Radboudumc and MUMC+
Classification: Benign. Review status: no assertion criteria provided. Collection method: clinical testing. Allele origin: germline. Affected: yes. Study: VKGL Data-share Consensus. Not counted in ClinVar's aggregate classification.